The following is an entry in ClinVar:

NM_014946.4(SPAST):c.1714A>G (p.Met572Val)

Gene: SPAST (spastin; plus strand). Cytogenetic location: 2p22.3.
Variant type: single nucleotide variant.
Coding change: c.1714A>G on transcript NM_014946.4 (MANE Select); coding-DNA position 1714, A replaced by G.
Protein change: p.Met572Val; replaces methionine 572 with valine.
Molecular consequence: missense variant.
Genome position (GRCh38, 1-based): chr2:32,147,244, A>G. VCF-style: chr2-32147244-A-G. GRCh37 (hg19) VCF-style: chr2-32372313-A-G.
Other names: c.1711A>G, p.Met571Val (NM_001363823.2); c.1615A>G, p.Met539Val (NM_001363875.2); c.1547A>G, p.Tyr516Cys (NM_001377959.1); c.1618A>G, p.Met540Val (NM_199436.2); short protein forms M572V, M539V, M540V, M571V, Y516C.
Identifiers: ClinVar variation 429935 (VCV000429935.2), dbSNP rs1131691684, ClinGen allele CA346504367.

ClinVar aggregate classification (germline): Likely pathogenic (1 of 4 stars; one submission).

Submission:

GeneDx
Classification: Likely pathogenic. Last evaluated: 2017-05-17. Review status: criteria provided, single submitter. Criteria: GeneDx Variant Classification (06012015). Collection method: clinical testing. Allele origin: germline. Affected: yes.
Comment: The M572V variant in the SPAST gene has not been reported previously as a pathogenic variant, nor as a benign variant, to our knowledge. This variant is not observed in large population cohorts (Lek et al., 2016; 1000 Genomes Consortium et al., 2015; Exome Variant Server). The M572V variant is a conservative amino acid substitution, which is not likely to impact secondary protein structure as these residues share similar properties. However, this substitution occurs at a position that is conserved across species within the AAA ATPase domain, a region of the protein essential for microtubule breakage (Blackstone et al., 2011). In silico analysis is inconsistent in its predictions as to whether or not the variant is damaging to the protein structure/function. We interpret M572V as a likely pathogenic variant.